The following is an entry in ClinVar:

NM_001083962.2(TCF4):c.1518CTC[1] (p.Ser508del)

Gene: TCF4 (transcription factor 4; minus strand). Cytogenetic location: 18q21.2.
Variant type: Microsatellite.
Coding change: c.1518CTC[1] on transcript NM_001083962.2 (MANE Select); one copy of the 3-base unit CTC starting at c.1518; the reference has two copies in a row; one copy, 3 bases deleted.
Protein change: p.Ser508del; deletes serine 508.
Molecular consequence: inframe deletion.
Genome position (GRCh38, 1-based): chr18:55,232,635-55,232,637, GAG deleted on the plus strand (CTC on the coding strand, the reverse complement: TCF4 is on the minus strand); deleting any 3 consecutive bases within chr18:55,232,635-55,232,640 gives the same sequence; the position shown is the placement nearest the transcript's 3' end. VCF-style (leftmost placement, unchanged base first): chr18-55232634-AGAG-A. GRCh37 (hg19) VCF-style: chr18-52899865-AGAG-A.
Other names: c.1824CTC[1], p.Ser610del (NM_001243226.3); c.1446CTC[1], p.Ser484del (NM_001243227.2, NM_001306207.1, NM_001348217.1 and 5 more transcripts); c.1536CTC[1], p.Ser514del (NM_001243228.2); c.1509CTC[1], p.Ser505del (NM_001243230.2); c.1392CTC[1], p.Ser466del (NM_001243231.2, NM_001348211.2); c.1305CTC[1], p.Ser437del (NM_001243232.1, NM_001306208.1); c.1128CTC[1], p.Ser378del (NM_001243233.2, NM_001330605.3, NM_001348212.2 and 1 more transcripts); c.1038CTC[1], p.Ser348del (NM_001243234.2, NM_001243235.2, NM_001243236.2 and 1 more transcripts); and 6 more; short protein forms S347del, S484del, S505del, S292del, S378del, S483del, S437del, S507del.
Identifiers: ClinVar variation 1774424 (VCV001774424.2), dbSNP rs2511583826, ClinGen allele CA2580612582.

ClinVar aggregate classification (germline): Uncertain significance (1 of 4 stars; one submission).

Conditions:
Inborn genetic diseases. Identifiers: MedGen C0950123, MeSH D030342.

Submission:

Ambry Genetics
Classification: Uncertain significance for Inborn genetic diseases. Last evaluated: 2017-08-03. Review status: criteria provided, single submitter. Criteria: Ambry Variant Classification Scheme 2023. Collection method: clinical testing. Allele origin: germline.
Comment: The c.1521_1523delCTC variant (also known as p.S508del) is located in coding exon 16 of the TCF4 gene. This variant results from an in-frame CTC deletion at nucleotide positions 1521 to 1523. This results in the in-frame deletion of a serine at codon 508. This amino acid position is well conserved in available vertebrate species. Since supporting evidence is limited at this time, the clinical significance of this alteration remains unclear.